The following is an entry in ClinVar:

NM_138694.4(PKHD1):c.3404dup (p.Asn1135fs)

Gene: PKHD1 (PKHD1 ciliary IPT domain containing fibrocystin/polyductin; minus strand). Cytogenetic location: 6p12.2.
Variant type: Duplication.
Coding change: c.3404dup on transcript NM_138694.4 (MANE Select); coding-DNA position 3404, one base duplicated (A; older notation c.3404dupA).
Protein change: p.Asn1135fs; shifts the reading frame from asparagine 1135.
Molecular consequence: frameshift variant.
Genome position (GRCh38, 1-based): chr6:52,028,312, T duplicated on the plus strand (A on the coding strand, the reverse complement: PKHD1 is on the minus strand); the first of 2 consecutive T bases (chr6:52,028,312-52,028,313); duplicating either gives the same sequence. VCF-style (leftmost placement, unchanged base first): chr6-52028311-G-GT. GRCh37 (hg19) VCF-style: chr6-51893109-G-GT.
Other names: c.3404dup, p.Asn1135fs (NM_170724.3); short protein forms N1135fs.
Identifiers: ClinVar variation 4816633 (VCV004816633.1).

ClinVar aggregate classification (germline): Likely pathogenic (1 of 4 stars; one submission).

Conditions:
Autosomal recessive polycystic kidney disease (ARPKD). Also called: AR polycystic kidney disease. Identifiers: Orphanet 731, Orphanet 8378, MedGen C0085548, MeSH D017044, MONDO:0009889.

Submission:

Natera, Inc.
Classification: Likely pathogenic for Autosomal recessive polycystic kidney disease. Last evaluated: 2024-06-28. Review status: criteria provided, single submitter. Criteria: Natera Variant Classification Schema (03/2026). Collection method: clinical testing. Allele origin: germline.
Comment: The c.3404dup variant in PKHD1 is a frameshift variant predicted to shift the reading frame beginning at codon 1135 and leads to a stop codon 55 codons downstream. This variant is expected to result in nonsense mediated decay, truncation, or a dysfunctional protein product. This variant is rare in the general population with a frequency below the threshold expected for the associated phenotype(s). Given the available evidence, this variant is classified as Likely Pathogenic.